The following is an entry in ClinVar:

NM_001142800.2(EYS):c.7141G>A (p.Gly2381Arg)

Gene: EYS (EGF-like photoreceptor maintenance factor; minus strand). Cytogenetic location: 6q12.
Variant type: single nucleotide variant.
Coding change: c.7141G>A on transcript NM_001142800.2 (MANE Select); coding-DNA position 7141, G replaced by A.
Protein change: p.Gly2381Arg; replaces glycine 2381 with arginine.
Molecular consequence: missense variant.
Genome position (GRCh38, 1-based): chr6:63,864,273, C>T on the plus strand (G>A on the coding strand, the complement: EYS is on the minus strand). VCF-style: chr6-63864273-C-T. GRCh37 (hg19) VCF-style: chr6-64574166-C-T.
Other names: c.7141G>A, p.Gly2381Arg (NM_001292009.2); short protein forms G2381R.
Identifiers: ClinVar variation 836186 (VCV000836186.6), dbSNP rs577000027, ClinGen allele CA3876837.

ClinVar aggregate classification (germline): Uncertain significance. Review status: criteria provided, multiple submitters, no conflicts (2 of 4 stars). 4 submissions from 4 submitters: Uncertain significance (3). 1 of the submissions does not count toward it. Last evaluated 2024-12-17.

Conditions:
EYS-related disorder. Also called: EYS-related condition.
Retinitis pigmentosa 25 (RP25). Identifiers: Orphanet 791, MedGen C1864446, MONDO:0011272, OMIM 602772.

Allele frequency attached by ClinVar (database versions not stated): gnomAD 0.00001; gnomAD exomes 0.00002; ExAC 0.00005; 1000 Genomes Project 30x 0.00016; 1000 Genomes Project 0.00020.
gnomAD v4.1: 10 of 1,551,428 alleles (0.00064%); highest among the groups gnomAD compares: South Asian, 0.0095%; no homozygotes.

Submissions (4):

PreventionGenetics, part of Exact Sciences
Classification: Uncertain significance for EYS-related condition. Last evaluated: 2024-12-17. Review status: criteria provided, single submitter. Criteria: ACMG Guidelines, 2015. Collection method: clinical testing. Allele origin: germline.
Comment: The EYS c.7141G>A variant is predicted to result in the amino acid substitution p.Gly2381Arg. To our knowledge, this variant has not been reported in the literature. This variant is present in 0.0088% of alleles in individuals of South Asian descent in gnomAD. At this time, the clinical significance of this variant is uncertain due to the absence of conclusive functional and genetic evidence.

Labcorp Genetics (formerly Invitae), Labcorp
Classification: Uncertain significance. Last evaluated: 2021-08-24. Review status: criteria provided, single submitter. Criteria: Invitae Variant Classification Sherloc (09022015). Collection method: clinical testing. Allele origin: germline.
Comment: This sequence change replaces glycine with arginine at codon 2381 of the EYS protein (p.Gly2381Arg). The glycine residue is highly conserved and there is a moderate physicochemical difference between glycine and arginine. This variant is present in population databases (rs577000027, ExAC 0.01%). This variant has not been reported in the literature in individuals affected with EYS-related conditions. Algorithms developed to predict the effect of missense changes on protein structure and function output the following: SIFT: "Tolerated"; PolyPhen-2: "Benign"; Align-GVGD: "Class C0". The arginine amino acid residue is found in multiple mammalian species, which suggests that this missense change does not adversely affect protein function. Algorithms developed to predict the effect of sequence changes on RNA splicing suggest that this variant may create or strengthen a splice site. In summary, the available evidence is currently insufficient to determine the role of this variant in disease. Therefore, it has been classified as a Variant of Uncertain Significance.

Blueprint Genetics
Classification: Uncertain significance. Last evaluated: 2021-08-09. Review status: criteria provided, single submitter. Criteria: ACMG Guidelines, 2015. Collection method: clinical testing. Allele origin: germline.

Natera, Inc.
Classification: Uncertain significance for Retinitis pigmentosa type 25. Last evaluated: 2020-07-12. Review status: no assertion criteria provided. Collection method: clinical testing. Allele origin: germline. Not counted in ClinVar's aggregate classification.